The following is an entry in ClinVar:

NM_004168.4(SDHA):c.313-11G>A

Gene: SDHA (succinate dehydrogenase complex flavoprotein subunit A; plus strand). Cytogenetic location: 5p15.33.
Variant type: single nucleotide variant.
Coding change: c.313-11G>A on transcript NM_004168.4 (MANE Select); 11 bases into the intron before coding-DNA position 313, G replaced by A.
Molecular consequence: intron variant.
Genome position (GRCh38, 1-based): chr5:225,408, G>A. VCF-style: chr5-225408-G-A. GRCh37 (hg19) VCF-style: chr5-225523-G-A.
Other names: c.313-11G>A (NM_001330758.2); c.313-475G>A (NM_001294332.2).
Identifiers: ClinVar variation 1385189 (VCV001385189.8), dbSNP rs1734951831, ClinGen allele CA1521983189.

ClinVar aggregate classification (germline): Uncertain significance (1 of 4 stars; one submission).

Conditions:
Mitochondrial complex II deficiency, nuclear type 1. Also called: SUCCINATE CoQ REDUCTASE DEFICIENCY. Identifiers: Orphanet 3208, MedGen C5700310, MONDO:0100294, OMIM 252011.
Pheochromocytoma/paraganglioma syndrome 5. Also called: Paragangliomas 5; SDHA-Related Hereditary Paraganglioma-Pheochromocytoma Syndrome. Identifiers: Orphanet 29072, MedGen C3279992, MONDO:0013602, OMIM 614165.

Allele frequency attached by ClinVar (database versions not stated): TOPMed below 0.00001.

Submission:

Labcorp Genetics (formerly Invitae), Labcorp
Classification: Uncertain significance for Pheochromocytoma/paraganglioma syndrome 5; Mitochondrial complex II deficiency, nuclear type 1. Last evaluated: 2022-04-28. Review status: criteria provided, single submitter. Criteria: Invitae Variant Classification Sherloc (09022015). Collection method: clinical testing. Allele origin: germline.
Comment: In summary, the available evidence is currently insufficient to determine the role of this variant in disease. Therefore, it has been classified as a Variant of Uncertain Significance. Algorithms developed to predict the effect of sequence changes on RNA splicing suggest that this variant may disrupt the consensus splice site. This variant has not been reported in the literature in individuals affected with SDHA-related conditions. This variant is not present in population databases (gnomAD no frequency). This sequence change falls in intron 3 of the SDHA gene. It does not directly change the encoded amino acid sequence of the SDHA protein.